The following is an entry in ClinVar:

NM_006231.4(POLE):c.6187T>A (p.Phe2063Ile)

Gene: POLE (DNA polymerase epsilon, catalytic subunit; minus strand). Cytogenetic location: 12q24.33.
Variant type: single nucleotide variant.
Coding change: c.6187T>A on transcript NM_006231.4 (MANE Select); coding-DNA position 6187, T replaced by A.
Protein change: p.Phe2063Ile; replaces phenylalanine 2063 with isoleucine.
Molecular consequence: missense variant.
Genome position (GRCh38, 1-based): chr12:132,632,458, A>T on the plus strand (T>A on the coding strand, the complement: POLE is on the minus strand). VCF-style: chr12-132632458-A-T. GRCh37 (hg19) VCF-style: chr12-133209044-A-T.
Other names: short protein forms F2063I.
Identifiers: ClinVar variation 4141124 (VCV004141124.1).
Genomic context (GRCh38, chr12:132,632,458, plus strand): 5'-GCTCAGTGGAGTTCCGAGAGCCTGTGACTTTCTTCTGAATCTTCTGAGTGATGGTGAAGA[A>T]GCTCTGAGTGAGCTCATTTGCGACATAATCCTGAGAGAAGGTGATCATTCCTGGAAGTAT-3'
Protein context (NP_006222.2, residues 2053-2073): DYVANELTQS[Phe2063Ile]FTITQKIQKK

ClinVar aggregate classification (germline): Uncertain significance (1 of 4 stars; one submission).

Conditions:
Hereditary cancer-predisposing syndrome. Also called: Hereditary neoplastic syndrome; Neoplastic Syndromes, Hereditary; Tumor predisposition; Hereditary Cancer Syndrome. Identifiers: Orphanet 140162, MedGen C0027672, MeSH D009386, MONDO:0015356.

Submission:

Ambry Genetics
Classification: Uncertain significance for Hereditary cancer-predisposing syndrome. Last evaluated: 2025-06-21. Review status: criteria provided, single submitter. Criteria: Ambry Variant Classification Scheme 2023. Collection method: clinical testing. Allele origin: germline.
Comment: The p.F2063I variant (also known as c.6187T>A), located in coding exon 45 of the POLE gene, results from a T to A substitution at nucleotide position 6187. The phenylalanine at codon 2063 is replaced by isoleucine, an amino acid with highly similar properties. This amino acid position is conserved. In addition, this alteration is predicted to be tolerated by in silico analysis. Based on the available evidence, the clinical significance of this variant remains unclear.